The following is an entry in ClinVar:

NM_000426.4(LAMA2):c.2986T>G (p.Cys996Gly)

Gene: LAMA2 (laminin subunit alpha 2; plus strand). Cytogenetic location: 6q22.33.
Variant type: single nucleotide variant.
Coding change: c.2986T>G on transcript NM_000426.4 (MANE Select); coding-DNA position 2986, T replaced by G.
Protein change: p.Cys996Gly; replaces cysteine 996 with glycine.
Molecular consequence: missense variant.
Genome position (GRCh38, 1-based): chr6:129,297,814, T>G. VCF-style: chr6-129297814-T-G. GRCh37 (hg19) VCF-style: chr6-129618959-T-G.
Other names: c.2986T>G, p.Cys996Gly (NM_001079823.2); short protein forms C996G.
Identifiers: ClinVar variation 3233936 (VCV003233936.2), dbSNP rs2482335609, ClinGen allele CA365611188.

ClinVar aggregate classification (germline): Uncertain significance (1 of 4 stars; one submission).

Allele frequency attached by ClinVar (database versions not stated): gnomAD exomes 0.00001.
gnomAD v4.1: 8 of 1,613,954 alleles (0.0005%); highest among the groups gnomAD compares: Non-Finnish European, 0.00068%; no homozygotes.

Submission:

Women's Health and Genetics/Laboratory Corporation of America, LabCorp
Classification: Uncertain significance. Last evaluated: 2024-03-15. Review status: criteria provided, single submitter. Criteria: LabCorp Variant Classification Summary - May 2015. Collection method: clinical testing. Allele origin: germline.
Comment: Variant summary: LAMA2 c.2986T>G (p.Cys996Gly) results in a non-conservative amino acid change located in the Laminin-type EGF domain (IPR002049) of the encoded protein sequence. Four of five in-silico tools predict a damaging effect of the variant on protein function. The variant was absent in 251252 control chromosomes. The available data on variant occurrences in the general population are insufficient to allow any conclusion about variant significance. c.2986T>G has been reported in the literature in unspecified individual(s) affected with Laminin Alpha 2-Related CMD (Sframeli_2017). These report(s) do not provide unequivocal conclusions about association of the variant with Laminin Alpha 2-Related Dystrophy. To our knowledge, no experimental evidence demonstrating an impact on protein function has been reported. The following publication have been ascertained in the context of this evaluation (PMID: 28688748). No submitters have cited clinical-significance assessments for this variant to ClinVar. Based on the evidence outlined above, the variant was classified as uncertain significance.

Literature cited by the submitters: PubMed 28688748.